The following is an entry in ClinVar:

NM_001037333.3(CYFIP2):c.3605A>G (p.Lys1202Arg)

Genes: CYFIP2 (cytoplasmic FMR1 interacting protein 2; plus strand), NIPAL4-DT (NIPAL4 divergent transcript; minus strand). Cytogenetic location: 5q33.3.
Variant type: single nucleotide variant.
Coding change: c.3605A>G on transcript NM_001037333.3 (MANE Select); coding-DNA position 3605, A replaced by G.
Protein change: p.Lys1202Arg; replaces lysine 1202 with arginine.
Molecular consequence: missense variant.
Genome position (GRCh38, 1-based): chr5:157,392,843, A>G. VCF-style: chr5-157392843-A-G. GRCh37 (hg19) VCF-style: chr5-156819851-A-G.
Other names: c.3527A>G, p.Lys1176Arg (NM_001291721.2); c.3680A>G, p.Lys1227Arg (NM_001291722.2); c.3605A>G, p.Lys1202Arg (NM_014376.4); short protein forms K1202R, K1176R, K1227R.
Identifiers: ClinVar variation 2041750 (VCV002041750.4), dbSNP rs2532761358, ClinGen allele CA361983349.
Genomic context (GRCh38, chr5:157,392,843, plus strand): 5'-CCACCCCCACTTTGTCCTGCCCTAACTTGAACATCCCCTTCCTTCTGTAGCCCCTGAAGA[A>G]GATGGCCGACCGGATCAGGAAGTATCAGATCTTGAACAATGAGGTTTTTGCCATCCTGAA-3'
Protein context (NP_001032410.1, residues 1192-1212): DEIIKNVPLK[Lys1202Arg]MADRIRKYQI

ClinVar aggregate classification (germline): Uncertain significance (1 of 4 stars; one submission).

Submission:

Labcorp Genetics (formerly Invitae), Labcorp
Classification: Uncertain significance. Last evaluated: 2021-12-13. Review status: criteria provided, single submitter. Criteria: Invitae Variant Classification Sherloc (09022015). Collection method: clinical testing. Allele origin: germline.
Comment: In summary, the available evidence is currently insufficient to determine the role of this variant in disease. Therefore, it has been classified as a Variant of Uncertain Significance. Algorithms developed to predict the effect of missense changes on protein structure and function are either unavailable or do not agree on the potential impact of this missense change (SIFT: "Tolerated"; PolyPhen-2: "Not Available"; Align-GVGD: "Class C0"). This variant has not been reported in the literature in individuals affected with CYFIP2-related conditions. This variant is not present in population databases (gnomAD no frequency). This sequence change replaces lysine, which is basic and polar, with arginine, which is basic and polar, at codon 1202 of the CYFIP2 protein (p.Lys1202Arg).